The following is an entry in ClinVar:

NM_004239.4(TRIP11):c.5068A>G (p.Met1690Val)

Gene: TRIP11 (thyroid hormone receptor interactor 11; minus strand). Cytogenetic location: 14q32.12.
Variant type: single nucleotide variant.
Coding change: c.5068A>G on transcript NM_004239.4 (MANE Select); coding-DNA position 5068, A replaced by G.
Protein change: p.Met1690Val; replaces methionine 1690 with valine.
Molecular consequence: missense variant.
Genome position (GRCh38, 1-based): chr14:91,993,901, T>C on the plus strand (A>G on the coding strand, the complement: TRIP11 is on the minus strand). VCF-style: chr14-91993901-T-C. GRCh37 (hg19) VCF-style: chr14-92460245-T-C.
Other names: c.5065A>G, p.Met1689Val (NM_001321851.1); short protein forms M1689V, M1690V.
Identifiers: ClinVar variation 1330477 (VCV001330477.11), dbSNP rs542557164, ClinGen allele CA7313286.

ClinVar aggregate classification (germline): Uncertain significance. Review status: criteria provided, multiple submitters, no conflicts (2 of 4 stars). 2 submissions from 2 submitters: Uncertain significance (2). Last evaluated 2025-09-08.

Conditions:
Achondrogenesis, type IA (ACG1A). Identifiers: Orphanet 932, Orphanet 93299, MedGen C0265273, MONDO:0008701, OMIM 200600.

Submissions (2):

Labcorp Genetics (formerly Invitae), Labcorp
Classification: Uncertain significance for Achondrogenesis, type IA. Last evaluated: 2025-09-08. Review status: criteria provided, single submitter. Criteria: Invitae Variant Classification Sherloc (09022015). Collection method: clinical testing. Allele origin: germline.
Comment: This sequence change replaces methionine, which is neutral and non-polar, with valine, which is neutral and non-polar, at codon 1690 of the TRIP11 protein (p.Met1690Val). This variant is present in population databases (rs542557164, gnomAD 0.2%). This variant has not been reported in the literature in individuals affected with TRIP11-related conditions. ClinVar contains an entry for this variant (Variation ID: 1330477). Invitae Evidence Modeling of protein sequence and biophysical properties (such as structural, functional, and spatial information, amino acid conservation, physicochemical variation, residue mobility, and thermodynamic stability) indicates that this missense variant is not expected to disrupt TRIP11 protein function with a negative predictive value of 80%. In summary, the available evidence is currently insufficient to determine the role of this variant in disease. Therefore, it has been classified as a Variant of Uncertain Significance.

ARUP Laboratories, Molecular Genetics and Genomics, ARUP Laboratories
Classification: Uncertain significance. Last evaluated: 2021-05-12. Review status: criteria provided, single submitter. Criteria: ARUP Molecular Germline Variant Investigation Process 2021. Collection method: clinical testing. Allele origin: germline.
Comment: The TRIP11 c.5068A>G, p.Met1690Val variant (rs542557164), to our knowledge, has not been reported in the medical literature or gene specific databases. This variant is found in the general population with an overall allele frequency of 0.02% (47/282,116 alleles) in the Genome Aggregation Database. The methionine at codon 1690 is moderately conserved, and computational analyses predict that this variant is neutral (REVEL: 0.147). Based on the available information, the clinical significance of this variant is uncertain.